The following is an entry in ClinVar:

NM_004380.3(CREBBP):c.4119C>T (p.Pro1373=)

Gene: CREBBP (CREB binding lysine acetyltransferase; minus strand). Cytogenetic location: 16p13.3.
Variant type: single nucleotide variant.
Coding change: c.4119C>T on transcript NM_004380.3 (MANE Select); coding-DNA position 4119, C replaced by T.
Protein change: p.Pro1373=; no amino-acid change (proline 1373 retained).
Molecular consequence: synonymous variant.
Genome position (GRCh38, 1-based): chr16:3,740,413, G>A on the plus strand (C>T on the coding strand, the complement: CREBBP is on the minus strand). VCF-style: chr16-3740413-G-A. GRCh37 (hg19) VCF-style: chr16-3790414-G-A.
Other names: c.4005C>T, p.Pro1335= (NM_001079846.1).
Identifiers: ClinVar variation 704784 (VCV000704784.15), dbSNP rs3025679, ClinGen allele CA7869622.

ClinVar aggregate classification (germline): Benign/Likely benign. Review status: criteria provided, multiple submitters, no conflicts (2 of 4 stars). 6 submissions from 6 submitters: Benign (2); Likely benign (3). 1 of the submissions does not count toward it. Last evaluated 2025-10-28.

Conditions:
CREBBP-related disorder. Also called: CREBBP-related condition; CREBBP-related disorders.
Rubinstein-Taybi syndrome (RSTS). Identifiers: Orphanet 783, MedGen C0035934, MONDO:0019188.
Inborn genetic diseases. Identifiers: MedGen C0950123, MeSH D030342.
Menke-Hennekam syndrome 1 (MKHK1). Identifiers: MedGen C5193034, MONDO:0020763, OMIM 618332.
Rubinstein-Taybi syndrome due to CREBBP mutations (RSTS1). Also called: Rubinstein-Taybi syndrome 1; CREBBP-Related Rubinstein-Taybi Syndrome; RUBINSTEIN-TAYBI SYNDROME 1, INCOMPLETE; BROAD THUMB-HALLUX SYNDROME; RUBINSTEIN SYNDROME; BROAD THUMBS AND GREAT TOES, CHARACTERISTIC FACIES, AND IMPAIRED INTELLECTUAL DEVELOPMENT. Identifiers: Orphanet 353277, Orphanet 783, MedGen C4551859, MONDO:0008393, OMIM 180849.

Allele frequency attached by ClinVar (database versions not stated): ExAC 0.00016; ESP Exome Variant Server 0.00031; gnomAD 0.00035 and 0.00038; TOPMed 0.00038; 1000 Genomes Project 0.00080; 1000 Genomes Project 30x 0.00094.
gnomAD v4.1: 109 of 1,614,130 alleles (0.0068%); highest among the groups gnomAD compares: African/African-American, 0.097%; no homozygotes.

Submissions (6):

Labcorp Genetics (formerly Invitae), Labcorp
Classification: Benign for Rubinstein-Taybi syndrome. Last evaluated: 2025-10-28. Review status: criteria provided, single submitter. Criteria: Invitae Variant Classification Sherloc (09022015). Collection method: clinical testing. Allele origin: germline.

Blueprint Genetics
Classification: Likely benign. Last evaluated: 2024-06-05. Review status: criteria provided, single submitter. Criteria: ACMG Guidelines, 2015. Collection method: clinical testing. Allele origin: germline.

Fulgent Genetics
Classification: Likely benign for Rubinstein-Taybi syndrome due to CREBBP mutations; Menke-Hennekam syndrome 1. Last evaluated: 2021-09-06. Review status: criteria provided, single submitter. Criteria: ACMG Guidelines, 2015. Collection method: clinical testing. Allele origin: unknown.

GeneDx
Classification: Benign. Last evaluated: 2021-06-21. Review status: criteria provided, single submitter. Criteria: GeneDx Variant Classification Process June 2021. Collection method: clinical testing. Allele origin: germline. Affected: yes.

Ambry Genetics
Classification: Likely benign for Inborn genetic diseases. Last evaluated: 2018-05-02. Review status: criteria provided, single submitter. Criteria: Ambry Variant Classification Scheme 2023. Collection method: clinical testing. Allele origin: germline.

PreventionGenetics, part of Exact Sciences
Classification: Likely benign for CREBBP-related condition. Last evaluated: 2021-12-06. Review status: no assertion criteria provided. Collection method: clinical testing. Allele origin: germline. Not counted in ClinVar's aggregate classification.
Comment: This variant is classified as likely benign based on ACMG/AMP sequence variant interpretation guidelines (Richards et al. 2015 PMID: 25741868, with internal and published modifications).